The following is an entry in ClinVar:

ClinVar aggregate classification (germline): Uncertain significance (1 of 4 stars; one submission).

Conditions:
Familial adenomatous polyposis 1 (FAP1). Also called: FAMILIAL ADENOMATOUS POLYPOSIS 1, ATTENUATED; POLYPOSIS, ADENOMATOUS INTESTINAL. Identifiers: MedGen C2713442, MONDO:0021056, OMIM 175100. Disease mechanism: loss of function.

Submission:

Labcorp Genetics (formerly Invitae), Labcorp
Classification: Uncertain significance for Familial adenomatous polyposis 1. Last evaluated: 2022-09-09. Review status: criteria provided, single submitter. Criteria: Invitae Variant Classification Sherloc (09022015). Collection method: clinical testing. Allele origin: germline.
Comment: This variant occurs in a non-coding region of the APC gene. It does not change the encoded amino acid sequence of the APC protein. This variant is not present in population databases (gnomAD no frequency). This variant has not been reported in the literature in individuals affected with APC-related conditions. Experimental studies and prediction algorithms are not available or were not evaluated, and the functional significance of this variant is currently unknown. In summary, the available evidence is currently insufficient to determine the role of this variant in disease. Therefore, it has been classified as a Variant of Uncertain Significance.

NC_000005.10:g.112707320C>A

Gene: APC (APC regulator of Wnt signaling pathway; plus strand). Cytogenetic location: 5q22.2.
Variant type: single nucleotide variant.
Genome position: GRCh38 VCF-style: chr5-112707320-C-A. GRCh37 (hg19) VCF-style: chr5-112043017-C-A.
Identifiers: ClinVar variation 1460838 (VCV001460838.6), dbSNP rs2149627922, ClinGen allele CA2573138732.